The following is an entry in ClinVar:

NM_172362.3(KCNH1):c.2150A>G (p.Glu717Gly)

Gene: KCNH1 (potassium voltage-gated channel subfamily H member 1; minus strand). Cytogenetic location: 1q32.2.
Variant type: single nucleotide variant.
Coding change: c.2150A>G on transcript NM_172362.3 (MANE Select); coding-DNA position 2150, A replaced by G.
Protein change: p.Glu717Gly; replaces glutamic acid 717 with glycine.
Molecular consequence: missense variant.
Genome position (GRCh38, 1-based): chr1:210,684,101, T>C on the plus strand (A>G on the coding strand, the complement: KCNH1 is on the minus strand). VCF-style: chr1-210684101-T-C. GRCh37 (hg19) VCF-style: chr1-210857443-T-C.
Other names: c.2069A>G, p.Glu690Gly (NM_002238.4); short protein forms E690G, E717G.
Identifiers: ClinVar variation 3363844 (VCV003363844.1).
Genomic context (GRCh38, chr1:210,684,101, plus strand): 5'-ACAGGGTGGTCCGGGGGCAAGATCAGGGGGGCCTCATTCTTTCGTTTCATGCGTTCTTCC[T>C]CTTCACGTTTCACATCGCTGATCTTCCGGAACACAATCTGGAGAGAGAGAGAGAGAGAAT-3'
Protein context (NP_758872.1, residues 707-727): FRKISDVKRE[Glu717Gly]EERMKRKNEA

ClinVar aggregate classification (germline): Uncertain significance (1 of 4 stars; one submission).

gnomAD v4.1: 1 of 1,513,450 alleles (0.000066%); highest among the groups gnomAD compares: Non-Finnish European, 0.000088%; no homozygotes.

Submission:

GeneDx
Classification: Uncertain significance. Last evaluated: 2024-04-17. Review status: criteria provided, single submitter. Criteria: GeneDx Variant Classification Process June 2021. Collection method: clinical testing. Allele origin: germline. Affected: yes.
Comment: Not observed at significant frequency in large population cohorts (gnomAD); In silico analysis supports that this missense variant has a deleterious effect on protein structure/function; Has not been previously published as pathogenic or benign to our knowledge